The following is an entry in ClinVar:

ClinVar aggregate classification (germline): Uncertain significance (1 of 4 stars; one submission).

Conditions:
Spastic paraplegia. Identifiers: MedGen C0037772, HP:0001258.

Submission:

Labcorp Genetics (formerly Invitae), Labcorp
Classification: Uncertain significance for Spastic paraplegia. Last evaluated: 2021-07-21. Review status: criteria provided, single submitter. Criteria: Invitae Variant Classification Sherloc (09022015). Collection method: clinical testing. Allele origin: germline.
Comment: In summary, the available evidence is currently insufficient to determine the role of this variant in disease. Therefore, it has been classified as a Variant of Uncertain Significance. Advanced modeling of protein sequence and biophysical properties (such as structural, functional, and spatial information, amino acid conservation, physicochemical variation, residue mobility, and thermodynamic stability) performed at Invitae indicates that this missense variant is expected to disrupt KIF5A protein function. This variant has not been reported in the literature in individuals affected with KIF5A-related conditions. This variant is not present in population databases (ExAC no frequency). This sequence change replaces lysine with threonine at codon 92 of the KIF5A protein (p.Lys92Thr). The lysine residue is highly conserved and there is a moderate physicochemical difference between lysine and threonine.

NM_004984.4(KIF5A):c.275A>C (p.Lys92Thr)

Gene: KIF5A (kinesin family member 5A; plus strand). Cytogenetic location: 12q13.3.
Variant type: single nucleotide variant.
Coding change: c.275A>C on transcript NM_004984.4 (MANE Select); coding-DNA position 275, A replaced by C.
Protein change: p.Lys92Thr; replaces lysine 92 with threonine.
Molecular consequence: missense variant. On other transcripts: intron variant (1).
Genome position (GRCh38, 1-based): chr12:57,563,677, A>C. VCF-style: chr12-57563677-A-C. GRCh37 (hg19) VCF-style: chr12-57957460-A-C.
Other names: c.130-783A>C (NM_001354705.2); short protein forms K92T.
Identifiers: ClinVar variation 1508326 (VCV001508326.8), dbSNP rs2140158867, ClinGen allele CA385493611.